The following is an entry in ClinVar:

ClinVar aggregate classification (germline): Conflicting classifications of pathogenicity. Review status: criteria provided, conflicting classifications (1 of 4 stars). 3 submissions from 3 submitters: Uncertain significance (2); Benign (1). Last evaluated 2025-07-10.

Conditions:
Autosomal dominant nonsyndromic hearing loss 17. Also called: Deafness, autosomal dominant 17; Autosomal dominant nonsyndromic deafness 17. Identifiers: Orphanet 90635, MedGen C1863659, MONDO:0011350, OMIM 603622.
Macrothrombocytopenia and granulocyte inclusions with or without nephritis or sensorineural hearing loss (MATINS). Also called: Fechtner syndrome; Epstein syndrome; Giant platelet syndrome with thrombocytopenia; BLEEDING DISORDER, PLATELET-TYPE, 6; MAY-HEGGLIN ANOMALY; DOHLE LEUKOCYTE INCLUSIONS WITH GIANT PLATELETS. Identifiers: Orphanet 182050, MedGen C5200934, MONDO:0015912, OMIM 155100.

Allele frequency attached by ClinVar (database versions not stated): gnomAD 0.00001; gnomAD exomes 0.00001 and 0.00002; TOPMed 0.00001; ExAC 0.00004.
gnomAD v4.1: 11 of 1,610,564 alleles (0.00068%); highest among the groups gnomAD compares: African/African-American, 0.0027%; no homozygotes.

Submissions (3):

Labcorp Genetics (formerly Invitae), Labcorp
Classification: Benign. Last evaluated: 2025-07-10. Review status: criteria provided, single submitter. Criteria: Invitae Variant Classification Sherloc (09022015). Collection method: clinical testing. Allele origin: germline.

Fulgent Genetics
Classification: Uncertain significance for Macrothrombocytopenia and granulocyte inclusions with or without nephritis or sensorineural hearing loss; Autosomal dominant nonsyndromic hearing loss 17. Last evaluated: 2021-08-03. Review status: criteria provided, single submitter. Criteria: ACMG Guidelines, 2015. Collection method: clinical testing. Allele origin: unknown.

Laboratory for Molecular Medicine, Mass General Brigham Personalized Medicine
Classification: Uncertain significance. Last evaluated: 2021-03-29. Review status: criteria provided, single submitter. Criteria: LMM Criteria. Collection method: clinical testing. Allele origin: germline. Observed: 2 variant alleles.
Comment: It has also been identified in 0.002% of (6/241052) of the total chromosomes by gnomAD. Computational prediction tools and conservation analyses do not provide strong support for or against an impact to the protein. In summary, the clinical significance of this variant is uncertain. ACMG/AMP Criteria applied: none.

NM_002473.6(MYH9):c.5177G>A (p.Arg1726His)

Gene: MYH9 (myosin heavy chain 9; minus strand). Cytogenetic location: 22q12.3.
Variant type: single nucleotide variant.
Coding change: c.5177G>A on transcript NM_002473.6 (MANE Select); coding-DNA position 5177, G replaced by A.
Protein change: p.Arg1726His; replaces arginine 1726 with histidine.
Molecular consequence: missense variant.
Genome position (GRCh38, 1-based): chr22:36,285,755, C>T on the plus strand (G>A on the coding strand, the complement: MYH9 is on the minus strand). VCF-style: chr22-36285755-C-T. GRCh37 (hg19) VCF-style: chr22-36681801-C-T.
Other names: short protein forms R1726H.
Identifiers: ClinVar variation 1120128 (VCV001120128.8), dbSNP rs777701033, ClinGen allele CA10209128.